The following is an entry in ClinVar:

NM_001002295.2(GATA3):c.1201_1202del (p.Met401fs)

Gene: GATA3 (GATA binding protein 3; plus strand). Cytogenetic location: 10p14.
Variant type: Deletion.
Coding change: c.1201_1202del on transcript NM_001002295.2 (MANE Select); coding-DNA positions 1201 to 1202, 2 bases deleted (AT; older notation c.1201_1202delAT).
Protein change: p.Met401fs; shifts the reading frame from methionine 401.
Molecular consequence: frameshift variant.
Genome position (GRCh38, 1-based): chr10:8,073,889-8,073,890, AT deleted. VCF-style (leftmost placement, unchanged base first): chr10-8073888-CAT-C. GRCh37 (hg19) VCF-style: chr10-8115851-CAT-C.
Other names: c.1198_1199del, p.Met400fs (NM_002051.3); c.1201_1202delAT (NM_001002295.2); short protein forms M400fs, M401fs.
Identifiers: ClinVar variation 426472 (VCV000426472.7), dbSNP rs1085307641, ClinGen allele CA645294058.

ClinVar aggregate classification (germline): Pathogenic/Likely pathogenic. Review status: criteria provided, multiple submitters, no conflicts (2 of 4 stars). 5 submissions from 5 submitters: Pathogenic (2); Likely pathogenic (3). Last evaluated 2025-10-24.

Conditions:
Hypoparathyroidism, deafness, renal disease syndrome (HDRS). Also called: HYPOPARATHYROIDISM, SENSORINEURAL DEAFNESS, AND RENAL DYSPLASIA SYNDROME. Identifiers: Orphanet 2237, MedGen C1840333, MONDO:0007797, OMIM 146255.

Submissions (5):

Dasa
Classification: Likely pathogenic for Hypoparathyroidism, deafness, renal disease syndrome. Last evaluated: 2025-10-24. Review status: criteria provided, single submitter. Criteria: DASA Assertion Criteria. Collection method: clinical testing. Allele origin: germline.
Comment: NM_001002295.2(GATA3):c.1201_1202del (p.Met401Valfs*106) is a frameshift variant in GATA3 predicted to alter the reading frame and introduce a premature termination codon and is predicted to result in an absent or altered protein product. Loss of function is an established disease mechanism for GATA3 (PMID: 10935639; PMID: 11389161; PMID: 27387476). This variant has been reported in individuals with GATA3-related disorders (PMID: 29073906). This variant has been reported as a de novo occurrence in an affected individual (PMID: 29073906). Also, this variant is absent from population databases. Based on the currently available evidence, this variant is classified as likely pathogenic.

Laboratorio de Genetica e Diagnostico Molecular, Hospital Israelita Albert Einstein
Classification: Likely pathogenic for Hypoparathyroidism, deafness, renal disease syndrome. Last evaluated: 2024-06-05. Review status: criteria provided, single submitter. Criteria: ACMG Guidelines, 2015. Collection method: clinical testing. Allele origin: germline. Affected: yes.
Comment: ACMG classification criteria: PVS1 strong, PS4 supporting, PM2 supporting

3billion
Classification: Pathogenic for Hypoparathyroidism, deafness, renal disease syndrome. Last evaluated: 2023-12-18. Review status: criteria provided, single submitter. Criteria: ACMG Guidelines, 2015. Collection method: clinical testing. Allele origin: germline. Affected: yes.
Comment: The variant is not observed in the gnomAD v2.1.1 dataset. Predicted Consequence/Location: Frameshift: predicted to result in a loss or disruption of normal protein function through protein truncation. The predicted truncated protein may be shortened by more than 10%. The variant has been previously reported as de novo in a similarly affected individual (PMID: 29073906). The variant has been reported at least twice as pathogenic with clinical assertions and evidence for the classification (ClinVar ID: VCV000426472 /PMID: 29073906). Therefore, this variant is classified as Pathogenic according to the recommendation of ACMG/AMP guideline.

Laboratoire Génétique Moléculaire, CHRU TOURS
Classification: Pathogenic. Last evaluated: 2021-04-01. Review status: criteria provided, single submitter. Criteria: ACMG Guidelines, 2015. Collection method: clinical testing. Allele origin: de novo. Affected: yes.

GeneDx
Classification: Likely pathogenic. Last evaluated: 2017-04-14. Review status: criteria provided, single submitter. Criteria: GeneDx Variant Classification (06012015). Collection method: clinical testing. Allele origin: germline. Affected: yes.
Comment: The c.1201_1202delAT variant in the GATA3 gene has not been reported previously as a pathogenic variant nor as a benign variant, to our knowledge. This frameshift variant replaces the typical last 44 amino acid residues in the GATA3 protein with 105 different amino acid residues. This alteration may interfere with the proper formation and/or function of the GATA3 protein. The c.1201_1202delAT variant is not observed in large population cohorts (Lek et al., 2016; 1000 Genomes Consortium et al., 2015; Exome Variant Server). We interpret c.1201_1202delAT as a likely pathogenic variant.

Literature cited by the submitters: PubMed 29073906 (cited by Dasa and 3billion); PubMed 10935639 (cited by Dasa); PubMed 11389161 (cited by Dasa); PubMed 27387476 (cited by Dasa).